The following is an entry in ClinVar:

NM_001083116.3(PRF1):c.961G>A (p.Gly321Arg)

Gene: PRF1 (perforin 1; minus strand). Cytogenetic location: 10q22.1.
Variant type: single nucleotide variant.
Coding change: c.961G>A on transcript NM_001083116.3 (MANE Select); coding-DNA position 961, G replaced by A.
Protein change: p.Gly321Arg; replaces glycine 321 with arginine.
Molecular consequence: missense variant.
Genome position (GRCh38, 1-based): chr10:70,598,760, C>T on the plus strand (G>A on the coding strand, the complement: PRF1 is on the minus strand). VCF-style: chr10-70598760-C-T. GRCh37 (hg19) VCF-style: chr10-72358516-C-T.
Other names: p.Gly321Arg; c.961G>A, p.Gly321Arg (NM_005041.6); short protein forms G321R.
Identifiers: ClinVar variation 300329 (VCV000300329.14), dbSNP rs145234214, ClinGen allele CA5538865.

ClinVar aggregate classification (germline): Uncertain significance. Review status: criteria provided, multiple submitters, no conflicts (2 of 4 stars). 5 submissions from 5 submitters: Uncertain significance (5). Last evaluated 2024-08-19.

Conditions:
Familial hemophagocytic lymphohistiocytosis 2 (FHL2). Also called: PRF1-Related Familial Hemophagocytic Lymphohistiocytosis (PRF1-fHLH). Identifiers: Orphanet 540, MedGen C1863727, MONDO:0011337, OMIM 603553.

Allele frequency attached by ClinVar (database versions not stated): TOPMed 0.00004; gnomAD 0.00006 and 0.00009; ESP Exome Variant Server 0.00008; ExAC 0.00016; gnomAD exomes 0.00018.

Submissions (5):

Mayo Clinic Laboratories, Mayo Clinic
Classification: Uncertain significance. Last evaluated: 2024-08-19. Review status: criteria provided, single submitter. Criteria: ACMG Guidelines, 2015. Collection method: clinical testing. Allele origin: germline. Observed: 1 variant allele.
Comment: PM2

Blueprint Genetics
Classification: Uncertain significance. Last evaluated: 2023-06-12. Review status: criteria provided, single submitter. Criteria: ACMG Guidelines, 2015. Collection method: clinical testing. Allele origin: germline.

Labcorp Genetics (formerly Invitae), Labcorp
Classification: Uncertain significance for Familial hemophagocytic lymphohistiocytosis 2. Last evaluated: 2022-11-01. Review status: criteria provided, single submitter. Criteria: Invitae Variant Classification Sherloc (09022015). Collection method: clinical testing. Allele origin: germline.
Comment: This sequence change replaces glycine, which is neutral and non-polar, with arginine, which is basic and polar, at codon 321 of the PRF1 protein (p.Gly321Arg). This variant is present in population databases (rs145234214, gnomAD 0.1%). This variant has not been reported in the literature in individuals affected with PRF1-related conditions. ClinVar contains an entry for this variant (Variation ID: 300329). Advanced modeling of protein sequence and biophysical properties (such as structural, functional, and spatial information, amino acid conservation, physicochemical variation, residue mobility, and thermodynamic stability) has been performed at Invitae for this missense variant, however the output from this modeling did not meet the statistical confidence thresholds required to predict the impact of this variant on PRF1 protein function. In summary, the available evidence is currently insufficient to determine the role of this variant in disease. Therefore, it has been classified as a Variant of Uncertain Significance.

Revvity Omics, Revvity
Classification: Uncertain significance. Last evaluated: 2019-02-14. Review status: criteria provided, single submitter. Criteria: ACMG Guidelines, 2015. Collection method: clinical testing. Allele origin: germline.

Illumina Laboratory Services, Illumina
Classification: Uncertain significance for Familial hemophagocytic lymphohistiocytosis 2. Last evaluated: 2018-01-12. Review status: criteria provided, single submitter. Criteria: ICSL Variant Classification Criteria 13 December 2019. Collection method: clinical testing. Allele origin: germline.